The following is an entry in ClinVar:

NM_152468.5(TMC8):c.1435G>A (p.Val479Met)

Gene: TMC8 (transmembrane channel like 8; plus strand). Cytogenetic location: 17q25.3.
Variant type: single nucleotide variant.
Coding change: c.1435G>A on transcript NM_152468.5 (MANE Select); coding-DNA position 1435, G replaced by A.
Protein change: p.Val479Met; replaces valine 479 with methionine.
Molecular consequence: missense variant.
Genome position (GRCh38, 1-based): chr17:78,138,090, G>A. VCF-style: chr17-78138090-G-A. GRCh37 (hg19) VCF-style: chr17-76134171-G-A.
Other names: c.1435G>A (NM_152468.4); short protein forms V479M.
Identifiers: ClinVar variation 1027287 (VCV001027287.6), dbSNP rs771242674, ClinGen allele CA8796866.

ClinVar aggregate classification (germline): Uncertain significance. Review status: criteria provided, multiple submitters, no conflicts (2 of 4 stars). 2 submissions from 2 submitters: Uncertain significance (2). Last evaluated 2025-08-23.

Conditions:
Epidermodysplasia verruciformis. Identifiers: Orphanet 302, MedGen C0014522, MONDO:0009176.
Inborn genetic diseases. Identifiers: MedGen C0950123, MeSH D030342.

Allele frequency attached by ClinVar (database versions not stated): ExAC 0.00002; gnomAD exomes 0.00002 and 0.00004; gnomAD 0.00004.

Submissions (2):

Ambry Genetics
Classification: Uncertain significance for Inborn genetic diseases. Last evaluated: 2025-08-23. Review status: criteria provided, single submitter. Criteria: Ambry Variant Classification Scheme 2023. Collection method: clinical testing. Allele origin: germline.

Labcorp Genetics (formerly Invitae), Labcorp
Classification: Uncertain significance for Epidermodysplasia verruciformis. Last evaluated: 2022-07-26. Review status: criteria provided, single submitter. Criteria: Invitae Variant Classification Sherloc (09022015). Collection method: clinical testing. Allele origin: germline.
Comment: This sequence change replaces valine, which is neutral and non-polar, with methionine, which is neutral and non-polar, at codon 479 of the TMC8 protein (p.Val479Met). This variant is present in population databases (rs771242674, gnomAD 0.02%). This variant has not been reported in the literature in individuals affected with TMC8-related conditions. ClinVar contains an entry for this variant (Variation ID: 1027287). Algorithms developed to predict the effect of missense changes on protein structure and function are either unavailable or do not agree on the potential impact of this missense change (SIFT: "Tolerated"; PolyPhen-2: "Possibly Damaging"; Align-GVGD: "Class C0"). In summary, the available evidence is currently insufficient to determine the role of this variant in disease. Therefore, it has been classified as a Variant of Uncertain Significance.